The following is an entry in ClinVar:

NM_006846.4(SPINK5):c.37G>T (p.Ala13Ser)

Gene: SPINK5 (serine peptidase inhibitor Kazal type 5; plus strand). Cytogenetic location: 5q32.
Variant type: single nucleotide variant.
Coding change: c.37G>T on transcript NM_006846.4 (MANE Select); coding-DNA position 37, G replaced by T.
Protein change: p.Ala13Ser; replaces alanine 13 with serine.
Molecular consequence: missense variant.
Genome position (GRCh38, 1-based): chr5:148,064,081, G>T. VCF-style: chr5-148064081-G-T. GRCh37 (hg19) VCF-style: chr5-147443644-G-T.
Other names: c.37G>T, p.Ala13Ser (NM_001127698.2, NM_001127699.2); short protein forms A13S.
Identifiers: ClinVar variation 1464566 (VCV001464566.8), dbSNP rs2127180984, ClinGen allele CA361887389.

ClinVar aggregate classification (germline): Uncertain significance (1 of 4 stars; one submission).

Conditions:
Ichthyosis linearis circumflexa. Identifiers: MedGen C0265962, MONDO:0043106, HP:0025810.

Allele frequency attached by ClinVar (database versions not stated): gnomAD exomes below 0.00001.
gnomAD v4.1: 1 of 1,614,096 alleles (0.000062%); highest among the groups gnomAD compares: East Asian, 0.0022%; no homozygotes.

Submission:

Labcorp Genetics (formerly Invitae), Labcorp
Classification: Uncertain significance for Ichthyosis linearis circumflexa. Last evaluated: 2022-06-03. Review status: criteria provided, single submitter. Criteria: Invitae Variant Classification Sherloc (09022015). Collection method: clinical testing. Allele origin: germline.
Comment: ClinVar contains an entry for this variant (Variation ID: 1464566). In summary, the available evidence is currently insufficient to determine the role of this variant in disease. Therefore, it has been classified as a Variant of Uncertain Significance. Algorithms developed to predict the effect of missense changes on protein structure and function are either unavailable or do not agree on the potential impact of this missense change (SIFT: "Deleterious"; PolyPhen-2: "Benign"; Align-GVGD: "Class C0"). This variant has not been reported in the literature in individuals affected with SPINK5-related conditions. This variant is not present in population databases (gnomAD no frequency). This sequence change replaces alanine, which is neutral and non-polar, with serine, which is neutral and polar, at codon 13 of the SPINK5 protein (p.Ala13Ser).